The following is an entry in ClinVar:

NM_001367624.2(ZNF469):c.10391G>A (p.Arg3464Gln)

Gene: ZNF469 (zinc finger protein 469; plus strand). Cytogenetic location: 16q24.2.
Variant type: single nucleotide variant.
Coding change: c.10391G>A on transcript NM_001367624.2 (MANE Select); coding-DNA position 10391, G replaced by A.
Protein change: p.Arg3464Gln; replaces arginine 3464 with glutamine.
Molecular consequence: missense variant.
Genome position (GRCh38, 1-based): chr16:88,437,861, G>A. VCF-style: chr16-88437861-G-A. GRCh37 (hg19) VCF-style: chr16-88504269-G-A.
Other names: NM_001127464.1:c.10307G>A; short protein forms R3464Q.
Identifiers: ClinVar variation 1419754 (VCV001419754.9), dbSNP rs753078494, ClinGen allele CA8225510.
Genomic context (GRCh38, chr16:88,437,861, plus strand): 5'-GGCGGCAGCCCTTCGCGTTCCGCGGCGTGCGGAGGCCGGGAGCGCCGGGACAGAAGGCCC[G>A]GGCCCTCGAGGGCACACTGCCCAGCAAACGGCGCAGGGTGGCCATGCCCGGCAGTGCCCC-3'
Protein context (NP_001354553.1, residues 3454-3474): RRPGAPGQKA[Arg3464Gln]ALEGTLPSKR

ClinVar aggregate classification (germline): Conflicting classifications of pathogenicity. Review status: criteria provided, conflicting classifications (1 of 4 stars). 4 submissions from 4 submitters: Uncertain significance (3); Likely benign (1). Last evaluated 2026-03-09.

Conditions:
Cardiovascular phenotype. Identifiers: MedGen CN230736.

Allele frequency attached by ClinVar (database versions not stated): TOPMed 0.00002; gnomAD 0.00003 and 0.00004; gnomAD exomes 0.00004; ExAC 0.00009.
gnomAD v4.1: 59 of 1,538,590 alleles (0.0038%); highest among the groups gnomAD compares: Admixed American, 0.0059%; no homozygotes.

Submissions (4):

Women's Health and Genetics/Laboratory Corporation of America, LabCorp
Classification: Uncertain significance. Last evaluated: 2026-03-09. Review status: criteria provided, single submitter. Criteria: LabCorp Variant Classification Summary - May 2015. Collection method: clinical testing. Allele origin: germline.
Comment: Variant summary: ZNF469 c.10391G>A (p.Arg3464Gln) results in a conservative amino acid change in the encoded protein sequence. Algorithms developed to predict the effect of missense changes on protein structure and function are either unavailable or do not agree on the potential impact of this missense change. The variant allele was found at a frequency of 3.5e-05 in 140854 control chromosomes. The available data on variant occurrences in the general population are insufficient to allow any conclusion about variant significance. To our knowledge, no occurrence of c.10391G>A in individuals affected with ZNF469-related conditions and no experimental evidence demonstrating its impact on protein function have been reported. ClinVar contains an entry for this variant (Variation ID: 1419754). Based on the evidence outlined above, the variant was classified as uncertain significance.

Ambry Genetics
Classification: Uncertain significance for Cardiovascular phenotype. Last evaluated: 2023-12-11. Review status: criteria provided, single submitter. Criteria: Ambry Variant Classification Scheme 2023. Collection method: clinical testing. Allele origin: germline.
Comment: The p.R3436Q variant (also known as c.10307G>A), located in coding exon 2 of the ZNF469 gene, results from a G to A substitution at nucleotide position 10307. The arginine at codon 3436 is replaced by glutamine, an amino acid with highly similar properties. This amino acid position is conserved. In addition, this alteration is predicted to be tolerated by in silico analysis. Since supporting evidence is limited at this time, the clinical significance of this alteration remains unclear.

Blueprint Genetics
Classification: Likely benign. Last evaluated: 2022-12-16. Review status: criteria provided, single submitter. Criteria: ACMG Guidelines, 2015. Collection method: clinical testing. Allele origin: germline.

Labcorp Genetics (formerly Invitae), Labcorp
Classification: Uncertain significance. Last evaluated: 2022-08-24. Review status: criteria provided, single submitter. Criteria: Invitae Variant Classification Sherloc (09022015). Collection method: clinical testing. Allele origin: germline.
Comment: This sequence change replaces arginine, which is basic and polar, with glutamine, which is neutral and polar, at codon 3436 of the ZNF469 protein (p.Arg3436Gln). This variant is present in population databases (rs753078494, gnomAD 0.006%). This variant has not been reported in the literature in individuals affected with ZNF469-related conditions. ClinVar contains an entry for this variant (Variation ID: 1419754). Algorithms developed to predict the effect of missense changes on protein structure and function output the following: SIFT: "Tolerated"; PolyPhen-2: "Benign"; Align-GVGD: "Class C0". The glutamine amino acid residue is found in multiple mammalian species, which suggests that this missense change does not adversely affect protein function. In summary, the available evidence is currently insufficient to determine the role of this variant in disease. Therefore, it has been classified as a Variant of Uncertain Significance.